The following is an entry in ClinVar:

ClinVar aggregate classification (germline): Uncertain significance (1 of 4 stars; one submission).

gnomAD v4.1: 13 of 1,613,460 alleles (0.00081%); highest among the groups gnomAD compares: Non-Finnish European, 0.001%; no homozygotes.

Submission:

GeneDx
Classification: Uncertain significance. Last evaluated: 2024-10-07. Review status: criteria provided, single submitter. Criteria: GeneDx Variant Classification Process June 2021. Collection method: clinical testing. Allele origin: germline. Affected: yes.
Comment: Not observed at significant frequency in large population cohorts (gnomAD); In silico analysis indicates that this variant does not alter splicing; Has not been previously published as pathogenic or benign to our knowledge

NM_005529.7(HSPG2):c.7392C>G (p.Ala2464=)

Gene: HSPG2 (heparan sulfate proteoglycan 2; minus strand). Cytogenetic location: 1p36.12.
Variant type: single nucleotide variant.
Coding change: c.7392C>G on transcript NM_005529.7 (MANE Select); coding-DNA position 7392, C replaced by G.
Protein change: p.Ala2464=; no amino-acid change (alanine 2464 retained).
Molecular consequence: synonymous variant.
Genome position (GRCh38, 1-based): chr1:21,850,095, G>C on the plus strand (C>G on the coding strand, the complement: HSPG2 is on the minus strand). VCF-style: chr1-21850095-G-C. GRCh37 (hg19) VCF-style: chr1-22176588-G-C.
Other names: c.7395C>G, p.Ala2465= (NM_001291860.2).
Identifiers: ClinVar variation 3776695 (VCV003776695.1).